The following is an entry in ClinVar:

ClinVar aggregate classification (germline): Uncertain significance. Review status: criteria provided, multiple submitters, no conflicts (2 of 4 stars). 2 submissions from 2 submitters: Uncertain significance (2). Last evaluated 2025-07-18.

Conditions:
Hereditary cancer-predisposing syndrome. Also called: Hereditary neoplastic syndrome; Tumor predisposition; Neoplastic Syndromes, Hereditary; Hereditary Cancer Syndrome. Identifiers: Orphanet 140162, MedGen C0027672, MeSH D009386, MONDO:0015356.
Familial cancer of breast. Also called: hereditary breast carcinoma; Hereditary breast cancer; BREAST CANCER, FAMILIAL. Identifiers: Orphanet 227535, MedGen C0346153, MONDO:0016419, OMIM 114480. Disease mechanism: loss of function.

Submissions (2):

Ambry Genetics
Classification: Uncertain significance for Hereditary cancer-predisposing syndrome. Last evaluated: 2025-07-18. Review status: criteria provided, single submitter. Criteria: Ambry Variant Classification Scheme 2023. Collection method: clinical testing. Allele origin: germline.
Comment: The p.D172V variant (also known as c.515A>T), located in coding exon 4 of the BARD1 gene, results from an A to T substitution at nucleotide position 515. The aspartic acid at codon 172 is replaced by valine, an amino acid with highly dissimilar properties. This amino acid position is conserved. In addition, this alteration is predicted to be tolerated by in silico analysis. Based on the available evidence, the clinical significance of this variant remains unclear.

Labcorp Genetics (formerly Invitae), Labcorp
Classification: Uncertain significance for Familial cancer of breast. Last evaluated: 2021-11-09. Review status: criteria provided, single submitter. Criteria: Invitae Variant Classification Sherloc (09022015). Collection method: clinical testing. Allele origin: germline.
Comment: In summary, the available evidence is currently insufficient to determine the role of this variant in disease. Therefore, it has been classified as a Variant of Uncertain Significance. This sequence change replaces aspartic acid, which is acidic and polar, with valine, which is neutral and non-polar, at codon 172 of the BARD1 protein (p.Asp172Val). This variant is not present in population databases (gnomAD no frequency). This variant has not been reported in the literature in individuals affected with BARD1-related conditions. Algorithms developed to predict the effect of missense changes on protein structure and function are either unavailable or do not agree on the potential impact of this missense change (SIFT: "Deleterious"; PolyPhen-2: "Possibly Damaging"; Align-GVGD: "Class C0").

NM_000465.4(BARD1):c.515A>T (p.Asp172Val)

Gene: BARD1 (BRCA1 associated RING domain 1; minus strand). Cytogenetic location: 2q35.
Variant type: single nucleotide variant.
Coding change: c.515A>T on transcript NM_000465.4 (MANE Select); coding-DNA position 515, A replaced by T.
Protein change: p.Asp172Val; replaces aspartic acid 172 with valine.
Molecular consequence: missense variant. On other transcripts: non-coding transcript variant (2), intron variant (3).
Genome position (GRCh38, 1-based): chr2:214,781,359, T>A on the plus strand (A>T on the coding strand, the complement: BARD1 is on the minus strand). VCF-style: chr2-214781359-T-A. GRCh37 (hg19) VCF-style: chr2-215646083-T-A.
Other names: c.515A>T (NM_000465.2); c.458A>T, p.Asp153Val (NM_001282543.2); c.158+28053A>T (NM_001282548.2); c.215+15702A>T (NM_001282545.2); c.364+10938A>T (NM_001282549.2); short protein forms D153V, D172V.
Identifiers: ClinVar variation 1502695 (VCV001502695.8), dbSNP rs1695022402, ClinGen allele CA350457485.
Genomic context (GRCh38, chr2:214,781,359, plus strand): 5'-GAAACATCTGCAGGAGGACTTGGGGAAACAAATTCATATGAGTCTTGCTGAGCACTTGCA[T>A]CTTTTTTTATTGCAGGCTGGGTTTGCACTGAAGCTTTACTCACAACATATCTGACTTTCT-3'
Protein context (NP_000456.2, residues 162-182): SVQTQPAIKK[Asp172Val]ASAQQDSYEF